The following is an entry in ClinVar:

ClinVar aggregate classification (germline): Conflicting classifications of pathogenicity. Review status: criteria provided, conflicting classifications (1 of 4 stars). 5 submissions from 5 submitters: Uncertain significance (2); Likely benign (2). 1 of the submissions does not count toward it. Last evaluated 2025-10-13.

Conditions:
PLCB1-related disorder. Also called: PLCB1-related condition.
Developmental and epileptic encephalopathy, 12 (DEE12). Identifiers: MedGen C3150988, MONDO:0013389, OMIM 613722.
Inborn genetic diseases. Identifiers: MedGen C0950123, MeSH D030342.

Allele frequency attached by ClinVar (database versions not stated): gnomAD 0.00012 and 0.00013; TOPMed 0.00017; ESP Exome Variant Server 0.00023; gnomAD exomes 0.00031.
gnomAD v4.1: 469 of 1,612,474 alleles (0.029%); highest among the groups gnomAD compares: South Asian, 0.19%; 4 homozygotes.

Submissions (5):

Labcorp Genetics (formerly Invitae), Labcorp
Classification: Likely benign for Developmental and epileptic encephalopathy, 12. Last evaluated: 2025-10-13. Review status: criteria provided, single submitter. Criteria: Invitae Variant Classification Sherloc (09022015). Collection method: clinical testing. Allele origin: germline.

GeneDx
Classification: Likely benign. Last evaluated: 2025-01-13. Review status: criteria provided, single submitter. Criteria: GeneDx Variant Classification Process June 2021. Collection method: clinical testing. Allele origin: germline. Affected: yes.
Comment: See Variant Classification Assertion Criteria.

Center for Genomics, Ann and Robert H. Lurie Children's Hospital of Chicago
Classification: Uncertain significance for Developmental and epileptic encephalopathy, 12. Last evaluated: 2021-03-30. Review status: criteria provided, single submitter. Criteria: ACMG Guidelines, 2015. Collection method: clinical testing. Allele origin: germline.
Comment: PLCB1 NM_015192.3 exon 1 p.Ala10Ser (c.28G>T): This variant has not been reported in the literature but is present in 0.02% (16/64558) of European alleles in the Genome Aggregation Database. This variant is present in ClinVar (Variation ID:410075). Evolutionary conservation suggests that this variant may impact the protein; computational predictive tools for this variant are unclear. In summary, data on this variant is insufficient for disease classification. Therefore, the clinical significance of this variant is uncertain.

Ambry Genetics
Classification: Uncertain significance for Inborn genetic diseases. Last evaluated: 2017-12-18. Review status: criteria provided, single submitter. Criteria: Ambry Variant Classification Scheme 2023. Collection method: clinical testing. Allele origin: germline.
Comment: The p.A10S variant (also known as c.28G>T), located in coding exon 1 of the PLCB1 gene, results from a G to T substitution at nucleotide position 28. The alanine at codon 10 is replaced by serine, an amino acid with similar properties. This amino acid position is highly conserved in available vertebrate species. In addition, this alteration is predicted to be tolerated by in silico analysis. Since supporting evidence is limited at this time, the clinical significance of this alteration remains unclear.

PreventionGenetics, part of Exact Sciences
Classification: Likely benign for PLCB1-related condition. Last evaluated: 2022-06-28. Review status: no assertion criteria provided. Collection method: clinical testing. Allele origin: germline. Not counted in ClinVar's aggregate classification.
Comment: This variant is classified as likely benign based on ACMG/AMP sequence variant interpretation guidelines (Richards et al. 2015 PMID: 25741868, with internal and published modifications).

NM_015192.4(PLCB1):c.28G>T (p.Ala10Ser)

Gene: PLCB1 (phospholipase C beta 1; plus strand). Cytogenetic location: 20p12.3.
Variant type: single nucleotide variant.
Coding change: c.28G>T on transcript NM_015192.4 (MANE Select); coding-DNA position 28, G replaced by T.
Protein change: p.Ala10Ser; replaces alanine 10 with serine.
Molecular consequence: missense variant.
Genome position (GRCh38, 1-based): chr20:8,132,679, G>T. VCF-style: chr20-8132679-G-T. GRCh37 (hg19) VCF-style: chr20-8113326-G-T.
Other names: c.28G>T, p.Ala10Ser (NM_182734.3); short protein forms A10S.
Identifiers: ClinVar variation 410075 (VCV000410075.24), dbSNP rs150241349, ClinGen allele CA9759517.